The following is an entry in ClinVar:

ClinVar aggregate classification (germline): Uncertain significance (1 of 4 stars; one submission).

Allele frequency attached by ClinVar (database versions not stated): gnomAD exomes below 0.00001; ExAC 0.00002.
gnomAD v4.1: 5 of 1,614,240 alleles (0.00031%); highest among the groups gnomAD compares: Non-Finnish European, 0.00042%; no homozygotes.

Submission:

Labcorp Genetics (formerly Invitae), Labcorp
Classification: Uncertain significance. Last evaluated: 2022-03-27. Review status: criteria provided, single submitter. Criteria: Invitae Variant Classification Sherloc (09022015). Collection method: clinical testing. Allele origin: germline.
Comment: This variant is present in population databases (rs767737131, gnomAD 0.003%). In summary, the available evidence is currently insufficient to determine the role of this variant in disease. Therefore, it has been classified as a Variant of Uncertain Significance. Algorithms developed to predict the effect of missense changes on protein structure and function (SIFT, PolyPhen-2, Align-GVGD) all suggest that this variant is likely to be tolerated. This variant has not been reported in the literature in individuals affected with PRPF8-related conditions. This sequence change replaces valine, which is neutral and non-polar, with isoleucine, which is neutral and non-polar, at codon 1348 of the PRPF8 protein (p.Val1348Ile).

NM_006445.4(PRPF8):c.4042G>A (p.Val1348Ile)

Gene: PRPF8 (pre-mRNA processing factor 8; minus strand). Cytogenetic location: 17p13.3.
Variant type: single nucleotide variant.
Coding change: c.4042G>A on transcript NM_006445.4 (MANE Select); coding-DNA position 4042, G replaced by A.
Protein change: p.Val1348Ile; replaces valine 1348 with isoleucine.
Molecular consequence: missense variant.
Genome position (GRCh38, 1-based): chr17:1,661,771, C>T on the plus strand (G>A on the coding strand, the complement: PRPF8 is on the minus strand). VCF-style: chr17-1661771-C-T. GRCh37 (hg19) VCF-style: chr17-1565065-C-T.
Other names: short protein forms V1348I.
Identifiers: ClinVar variation 2118424 (VCV002118424.4), dbSNP rs767737131, ClinGen allele CA8271735.